The following is an entry in ClinVar:

ClinVar aggregate classification (germline): Uncertain significance. Review status: criteria provided, single submitter (1 of 4 stars). 2 submissions from 2 submitters: Uncertain significance (1). 1 of the submissions does not count toward it. Last evaluated 2025-08-11.

Conditions:
Usher syndrome type 1F (USH1F). Also called: USHER SYNDROME, TYPE IF. Identifiers: Orphanet 231169, Orphanet 886, MedGen C1865885, MONDO:0011186, OMIM 602083.

Allele frequency attached by ClinVar (database versions not stated): TOPMed below 0.00001.

Submissions (2):

Labcorp Genetics (formerly Invitae), Labcorp
Classification: Uncertain significance. Last evaluated: 2025-08-11. Review status: criteria provided, single submitter. Criteria: Invitae Variant Classification Sherloc (09022015). Collection method: clinical testing. Allele origin: germline.
Comment: This sequence change replaces serine, which is neutral and polar, with asparagine, which is neutral and polar, at codon 879 of the PCDH15 protein (p.Ser879Asn). This variant is not present in population databases (gnomAD no frequency). This variant has not been reported in the literature in individuals affected with PCDH15-related conditions. ClinVar contains an entry for this variant (Variation ID: 1046592). Invitae Evidence Modeling of protein sequence and biophysical properties (such as structural, functional, and spatial information, amino acid conservation, physicochemical variation, residue mobility, and thermodynamic stability) indicates that this missense variant is not expected to disrupt PCDH15 protein function with a negative predictive value of 95%. In summary, the available evidence is currently insufficient to determine the role of this variant in disease. Therefore, it has been classified as a Variant of Uncertain Significance.

Natera, Inc.
Classification: Uncertain significance for Usher syndrome type 1F. Last evaluated: 2020-06-21. Review status: no assertion criteria provided. Collection method: clinical testing. Allele origin: germline. Not counted in ClinVar's aggregate classification.

NM_001384140.1(PCDH15):c.2636G>A (p.Ser879Asn)

Gene: PCDH15 (protocadherin related 15; minus strand). Cytogenetic location: 10q21.1.
Variant type: single nucleotide variant.
Coding change: c.2636G>A on transcript NM_001384140.1 (MANE Select); coding-DNA position 2636, G replaced by A.
Protein change: p.Ser879Asn; replaces serine 879 with asparagine.
Molecular consequence: missense variant.
Genome position (GRCh38, 1-based): chr10:54,020,307, C>T on the plus strand (G>A on the coding strand, the complement: PCDH15 is on the minus strand). VCF-style: chr10-54020307-C-T. GRCh37 (hg19) VCF-style: chr10-55780067-C-T.
Other names: c.2651G>A, p.Ser884Asn (NM_001142763.2, NM_001142771.2); c.2636G>A, p.Ser879Asn (NM_001142764.2, NM_001142766.2, NM_001142770.3 and 5 more transcripts); c.2423G>A, p.Ser808Asn (NM_001142765.2); c.2525G>A, p.Ser842Asn (NM_001142767.2); c.2570G>A, p.Ser857Asn (NM_001142768.2, NM_001142773.2, NM_001354404.2); c.2672G>A, p.Ser891Asn (NM_001142769.4); c.2657G>A, p.Ser886Asn (NM_001354411.2); short protein forms S857N, S891N, S842N, S879N, S884N, S808N, S886N.
Identifiers: ClinVar variation 1046592 (VCV001046592.4), dbSNP rs2092876050, ClinGen allele CA376522325.